The following is an entry in ClinVar:

NM_001023570.4(IQCB1):c.1368T>G (p.Val456=)

Gene: IQCB1 (IQ motif containing B1; minus strand). Cytogenetic location: 3q13.33.
Variant type: single nucleotide variant.
Coding change: c.1368T>G on transcript NM_001023570.4 (MANE Select); coding-DNA position 1368, T replaced by G.
Protein change: p.Val456=; no amino-acid change (valine 456 retained).
Molecular consequence: synonymous variant. On other transcripts: non-coding transcript variant (1).
Genome position (GRCh38, 1-based): chr3:121,781,785, A>C on the plus strand (T>G on the coding strand, the complement: IQCB1 is on the minus strand). VCF-style: chr3-121781785-A-C. GRCh37 (hg19) VCF-style: chr3-121500632-A-C.
Other names: c.1368T>G (NM_001023570.3); c.969T>G, p.Val323= (NM_001023571.4); c.1368T>G, p.Val456= (NM_001319107.2).
Identifiers: ClinVar variation 1143946 (VCV001143946.11), dbSNP rs773593065, ClinGen allele CA2567114.

ClinVar aggregate classification (germline): Conflicting classifications of pathogenicity. Review status: criteria provided, conflicting classifications (1 of 4 stars). 3 submissions from 3 submitters: Uncertain significance (1); Likely benign (2). Last evaluated 2025-11-12.

Conditions:
Nephronophthisis. Also called: Juvenile Nephronophthisis. Identifiers: Orphanet 655, MedGen C0687120, MONDO:0019005, HP:0000090.
IQCB1-related disorder. Also called: IQCB1-related condition.

Allele frequency attached by ClinVar (database versions not stated): gnomAD 0.00002; gnomAD exomes 0.00004 and 0.00006; ExAC 0.00006.
gnomAD v4.1: 87 of 1,613,742 alleles (0.0054%); highest among the groups gnomAD compares: Non-Finnish European, 0.007%; no homozygotes.

Submissions (3):

Labcorp Genetics (formerly Invitae), Labcorp
Classification: Likely benign for Nephronophthisis. Last evaluated: 2025-11-12. Review status: criteria provided, single submitter. Criteria: Invitae Variant Classification Sherloc (09022015). Collection method: clinical testing. Allele origin: germline.

PreventionGenetics, part of Exact Sciences
Classification: Likely benign for IQCB1-related condition. Last evaluated: 2025-05-13. Review status: criteria provided, single submitter. Criteria: ACMG Guidelines, 2015. Collection method: clinical testing. Allele origin: germline.
Comment: This variant is classified as likely benign based on ACMG/AMP sequence variant interpretation guidelines (Richards et al. 2015 PMID: 25741868, with internal and published modifications).

Blueprint Genetics
Classification: Uncertain significance. Last evaluated: 2023-12-20. Review status: criteria provided, single submitter. Criteria: ACMG Guidelines, 2015. Collection method: clinical testing. Allele origin: germline.